The following is an entry in ClinVar:

NM_000141.5(FGFR2):c.904G>A (p.Gly302Arg)

Gene: FGFR2 (fibroblast growth factor receptor 2; minus strand). Cytogenetic location: 10q26.13.
Variant type: single nucleotide variant.
Coding change: c.904G>A on transcript NM_000141.5 (MANE Select); coding-DNA position 904, G replaced by A.
Protein change: p.Gly302Arg; replaces glycine 302 with arginine.
Molecular consequence: missense variant. On other transcripts: non-coding transcript variant (1), intron variant (1).
Genome position (GRCh38, 1-based): chr10:121,520,014, C>T on the plus strand (G>A on the coding strand, the complement: FGFR2 is on the minus strand). VCF-style: chr10-121520014-C-T. GRCh37 (hg19) VCF-style: chr10-123279528-C-T.
Other names: c.904G>A, p.Gly302Arg (NM_001144913.1, NM_001144917.2, NM_001320658.2 and 1 more transcripts); c.637G>A, p.Gly213Arg (NM_001144915.2, NM_001144919.2, NM_023029.3); c.559G>A, p.Gly187Arg (NM_001144916.2, NM_001144918.2); c.220G>A, p.Gly74Arg (NM_001320654.2); c.749-4695G>A (NM_001144914.1); short protein forms G74R, G187R, G213R, G302R.
Identifiers: ClinVar variation 2905267 (VCV002905267.4), dbSNP rs1159063118, ClinGen allele CA378330448.

ClinVar aggregate classification (germline): Uncertain significance. Review status: criteria provided, multiple submitters, no conflicts (2 of 4 stars). 2 submissions from 2 submitters: Uncertain significance (2). Last evaluated 2025-11-03.

Conditions:
Bent bone dysplasia syndrome 1 (BBDS1). Also called: FGFR2-related bent bone dysplasia. Identifiers: Orphanet 313855, MedGen C3281247, MONDO:0013815, OMIM 614592.
Familial scaphocephaly syndrome, McGillivray type. Also called: SCAPHOCEPHALY, MAXILLARY RETRUSION, AND IMPAIRED INTELLECTUAL DEVELOPMENT. Identifiers: Orphanet 168624, MedGen C1865070, MONDO:0012307, OMIM 609579.
Acrocephalosyndactyly type I (ACS1). Also called: Apert syndrome; Acrocephalo-syndactyly type 1; ACS 1; Syndactylic oxycephaly. Identifiers: Orphanet 87, MedGen C0001193, MONDO:0007041, OMIM 101200.
Crouzon syndrome. Also called: CRANIOFACIAL DYSOSTOSIS, TYPE I; Craniofacial dysostosis type 1; Crouzon craniofacial dysostosis; Crouzon disease; Craniofacial dysostosis. Identifiers: Orphanet 207, MedGen C0010273, MeSH D003394, MONDO:0007405, OMIM 123500, HP:0004439.
Beare-Stevenson cutis gyrata syndrome (BSTVS). Identifiers: Orphanet 1555, MedGen C1852406, MONDO:0007412, OMIM 123790.
Pfeiffer syndrome (ACS5). Also called: ACS V. Identifiers: Orphanet 710, MedGen C0220658, MONDO:0007043, OMIM 101600.
Antley-Bixler syndrome without genital anomalies or disordered steroidogenesis (ABS2). Also called: MULTISYNOSTOTIC OSTEODYSGENESIS WITH LONG BONE FRACTURES; Antley-Bixler Syndrome, Autosomal Dominant; Trapezoidocephaly synostosis syndrome; Osteodysgenesis, multisynostotic with fractures. Identifiers: Orphanet 596008, Orphanet 83, MedGen C2936791, MONDO:0020667, OMIM 207410.
Gastric cancer. Also called: Stomach cancer; Malignant tumor of stomach. Identifiers: MedGen C0024623, MeSH D013274, MONDO:0001056, OMIM 613659, HP:0012126.
Jackson-Weiss syndrome (JWS). Also called: CRANIOSYNOSTOSIS, MIDFACIAL HYPOPLASIA, AND FOOT ABNORMALITIES. Identifiers: Orphanet 1540, MedGen C0795998, MONDO:0007400, OMIM 123150. Disease mechanism: loss of function.
Saethre-Chotzen syndrome (SCS). Also called: ACROCEPHALY, SKULL ASYMMETRY, AND MILD SYNDACTYLY; ACS III; CHOTZEN SYNDROME. Identifiers: Orphanet 794, MedGen C0175699, MONDO:0007042, OMIM 101400.
LADD syndrome 1 (LADD1). Also called: Lacrimoauriculodentodigital syndrome 1. Identifiers: MedGen C5774323, MONDO:0100302, OMIM 149730.
FGFR2-related craniosynostosis. Identifiers: MedGen CN231480.

Allele frequency attached by ClinVar (database versions not stated): gnomAD 0.00001; gnomAD exomes 0.00001; TOPMed 0.00002.
gnomAD v4.1: 10 of 1,614,076 alleles (0.00062%); highest among the groups gnomAD compares: African/African-American, 0.0053%; no homozygotes.

Submissions (2):

Labcorp Genetics (formerly Invitae), Labcorp
Classification: Uncertain significance for FGFR2-related craniosynostosis. Last evaluated: 2025-11-03. Review status: criteria provided, single submitter. Criteria: Invitae Variant Classification Sherloc (09022015). Collection method: clinical testing. Allele origin: germline.
Comment: This sequence change replaces glycine, which is neutral and non-polar, with arginine, which is basic and polar, at codon 302 of the FGFR2 protein (p.Gly302Arg). This variant is present in population databases (no rsID available, gnomAD 0.01%). This variant has not been reported in the literature in individuals affected with FGFR2-related conditions. ClinVar contains an entry for this variant (Variation ID: 2905267). Invitae Evidence Modeling of protein sequence and biophysical properties (such as structural, functional, and spatial information, amino acid conservation, physicochemical variation, residue mobility, and thermodynamic stability) indicates that this missense variant is not expected to disrupt FGFR2 protein function with a negative predictive value of 80%. In summary, the available evidence is currently insufficient to determine the role of this variant in disease. Therefore, it has been classified as a Variant of Uncertain Significance.

Fulgent Genetics
Classification: Uncertain significance for Acrocephalosyndactyly type I; Saethre-Chotzen syndrome; Pfeiffer syndrome; Jackson-Weiss syndrome; Crouzon syndrome; Beare-Stevenson cutis gyrata syndrome; LADD syndrome 1; Antley-Bixler syndrome without genital anomalies or disordered steroidogenesis; Familial scaphocephaly syndrome, McGillivray type; Gastric cancer; Bent bone dysplasia syndrome 1. Last evaluated: 2024-04-15. Review status: criteria provided, single submitter. Criteria: ACMG Guidelines, 2015. Collection method: clinical testing. Allele origin: germline.